The following is an entry in ClinVar:

NM_000051.4(ATM):c.5864dup (p.Leu1955fs)

Genes: ATM (ATM serine/threonine kinase; plus strand), C11orf65 (chromosome 11 open reading frame 65; minus strand). Cytogenetic location: 11q22.3.
Variant type: Duplication.
Coding change: c.5864dup on transcript NM_000051.4 (MANE Select); coding-DNA position 5864, one base duplicated (T; older notation c.5864dupT).
Protein change: p.Leu1955fs; shifts the reading frame from leucine 1955.
Molecular consequence: frameshift variant. On other transcripts: intron variant (2).
Genome position (GRCh38, 1-based): chr11:108,310,261, T duplicated; the last of 3 consecutive T bases (chr11:108,310,259-108,310,261); duplicating any one gives the same sequence. VCF-style (leftmost placement, unchanged base first): chr11-108310258-C-CT. GRCh37 (hg19) VCF-style: chr11-108180985-C-CT.
Other names: c.5864dup, p.Leu1955fs (NM_001351834.2); c.641-1188dup (NM_001330368.2); c.*39-1188dup (NM_001351110.2); short protein forms L1955fs.
Identifiers: ClinVar variation 4539305 (VCV004539305.1).

ClinVar aggregate classification (germline): Pathogenic (1 of 4 stars; one submission).

Submission:

Center for Genomic Medicine, Rigshospitalet, Copenhagen University Hospital
Classification: Pathogenic. Last evaluated: 2025-12-29. Review status: criteria provided, single submitter. Criteria: ACMG Guidelines, 2015. Collection method: clinical testing. Allele origin: germline.
Comment: Classification criteria: PVS1, PM5_supporting, PM2_supporting